The following is an entry in ClinVar:

NM_000548.5(TSC2):c.1599+7G>A

Gene: TSC2 (TSC complex subunit 2; plus strand). Cytogenetic location: 16p13.3.
Variant type: single nucleotide variant.
Coding change: c.1599+7G>A on transcript NM_000548.5 (MANE Select); 7 bases into the intron after coding-DNA position 1599, G replaced by A.
Molecular consequence: intron variant.
Genome position (GRCh38, 1-based): chr16:2,064,434, G>A. VCF-style: chr16-2064434-G-A. GRCh37 (hg19) VCF-style: chr16-2114435-G-A.
Other names: c.1599+7G>A (NM_001114382.3, NM_021055.3, NM_001370405.1 and 3 more transcripts); c.1488+7G>A (NM_001318827.2); c.999+7G>A (NM_001318831.2); c.1452+7G>A (NM_001318829.2); c.1632+7G>A (NM_001318832.2).
Identifiers: ClinVar variation 1636596 (VCV001636596.9), dbSNP rs1261800438, ClinGen allele CA718903669.

ClinVar aggregate classification (germline): Likely benign. Review status: criteria provided, multiple submitters, no conflicts (2 of 4 stars). 2 submissions from 2 submitters: Likely benign (2). Last evaluated 2025-10-01.

Conditions:
Tuberous sclerosis 2 (TSC2). Identifiers: Orphanet 805, MedGen C1860707, MONDO:0013199, OMIM 613254.

Allele frequency attached by ClinVar (database versions not stated): gnomAD exomes 0.00001; TOPMed 0.00001.
gnomAD v4.1: 7 of 1,613,192 alleles (0.00043%); highest among the groups gnomAD compares: Non-Finnish European, 0.00059%; no homozygotes.

Submissions (2):

Labcorp Genetics (formerly Invitae), Labcorp
Classification: Likely benign for Tuberous sclerosis 2. Last evaluated: 2025-10-01. Review status: criteria provided, single submitter. Criteria: Invitae Variant Classification Sherloc (09022015). Collection method: clinical testing. Allele origin: germline.

Myriad Genetics, Inc.
Classification: Likely benign for Tuberous sclerosis 2. Last evaluated: 2025-05-14. Review status: criteria provided, single submitter. Criteria: Myriad Autosomal Dominant, Autosomal Recessive and X-Linked Classification Criteria (2023). Collection method: clinical testing. Allele origin: unknown.
Comment: This variant is considered likely benign. This variant is intronic and is not expected to impact mRNA splicing.